The following is an entry in ClinVar:

ClinVar aggregate classification (germline): Uncertain significance (1 of 4 stars; one submission).

Allele frequency attached by ClinVar (database versions not stated): TOPMed below 0.00001; gnomAD 0.00001; gnomAD exomes 0.00001 and 0.00002; ExAC 0.00003.
gnomAD v4.1: 12 of 1,613,518 alleles (0.00074%); highest among the groups gnomAD compares: Non-Finnish European, 0.001%; no homozygotes.

Submission:

Labcorp Genetics (formerly Invitae), Labcorp
Classification: Uncertain significance. Last evaluated: 2019-11-28. Review status: criteria provided, single submitter. Criteria: Invitae Variant Classification Sherloc (09022015). Collection method: clinical testing. Allele origin: germline.
Comment: In summary, the available evidence is currently insufficient to determine the role of this variant in disease. Therefore, it has been classified as a Variant of Uncertain Significance. Algorithms developed to predict the effect of missense changes on protein structure and function are either unavailable or do not agree on the potential impact of this missense change (SIFT: "Deleterious"; PolyPhen-2: "Probably Damaging"; Align-GVGD: "Class C0"). This variant has not been reported in the literature in individuals with CDHR1-related conditions. This variant is present in population databases (rs771794494, ExAC 0.005%). This sequence change replaces lysine with threonine at codon 440 of the CDHR1 protein (p.Lys440Thr). The lysine residue is highly conserved and there is a moderate physicochemical difference between lysine and threonine.

NM_033100.4(CDHR1):c.1319A>C (p.Lys440Thr)

Gene: CDHR1 (cadherin related family member 1; plus strand). Cytogenetic location: 10q23.1.
Variant type: single nucleotide variant.
Coding change: c.1319A>C on transcript NM_033100.4 (MANE Select); coding-DNA position 1319, A replaced by C.
Protein change: p.Lys440Thr; replaces lysine 440 with threonine.
Molecular consequence: missense variant.
Genome position (GRCh38, 1-based): chr10:84,208,880, A>C. VCF-style: chr10-84208880-A-C. GRCh37 (hg19) VCF-style: chr10-85968636-A-C.
Other names: c.1319A>C, p.Lys440Thr (NM_001171971.3); short protein forms K440T.
Identifiers: ClinVar variation 854597 (VCV000854597.9), dbSNP rs771794494, ClinGen allele CA5579891.